The following is an entry in ClinVar:

ClinVar aggregate classification (germline): Uncertain significance (1 of 4 stars; one submission).

Conditions:
HNSHA due to aldolase A deficiency (GSD12). Also called: GLYCOGEN STORAGE DISEASE XII; GSD XII; RED CELL ALDOLASE DEFICIENCY; Glycogen storage disease due to aldolase A deficiency. Identifiers: Orphanet 57, MedGen C0272066, MONDO:0012747, OMIM 611881.

Allele frequency attached by ClinVar (database versions not stated): gnomAD 0.00001; TOPMed 0.00001; ExAC 0.00002; gnomAD exomes 0.00002.
gnomAD v4.1: 25 of 1,614,028 alleles (0.0015%); highest among the groups gnomAD compares: East Asian, 0.047%; no homozygotes.

Submission:

Labcorp Genetics (formerly Invitae), Labcorp
Classification: Uncertain significance for HNSHA due to aldolase A deficiency. Last evaluated: 2022-08-22. Review status: criteria provided, single submitter. Criteria: Invitae Variant Classification Sherloc (09022015). Collection method: clinical testing. Allele origin: germline.
Comment: This sequence change replaces alanine, which is neutral and non-polar, with valine, which is neutral and non-polar, at codon 212 of the ALDOA protein (p.Ala212Val). This variant is present in population databases (rs754601084, gnomAD 0.06%). This variant has not been reported in the literature in individuals affected with ALDOA-related conditions. Algorithms developed to predict the effect of missense changes on protein structure and function (SIFT, PolyPhen-2, Align-GVGD) all suggest that this variant is likely to be tolerated. In summary, the available evidence is currently insufficient to determine the role of this variant in disease. Therefore, it has been classified as a Variant of Uncertain Significance.

NM_001243177.4(ALDOA):c.797C>T (p.Ala266Val)

Genes: ALDOA (aldolase, fructose-bisphosphate A; plus strand), LOC112694756 (uncharaterized LOC112694756; plus strand). Cytogenetic location: 16p11.2.
Variant type: single nucleotide variant.
Coding change: c.797C>T on transcript NM_001243177.4 (MANE Select); coding-DNA position 797, C replaced by T.
Protein change: p.Ala266Val; replaces alanine 266 with valine.
Molecular consequence: missense variant. On other transcripts: 3 prime UTR variant (3).
Genome position (GRCh38, 1-based): chr16:30,069,509, C>T. VCF-style: chr16-30069509-C-T. GRCh37 (hg19) VCF-style: chr16-30080830-C-T.
Other names: c.*1144C>T (NM_001365304.2, NM_001365305.2, NM_001365307.2); c.635C>T, p.Ala212Val (NM_001127617.2, NM_184041.5, NM_184043.2); short protein forms A212V, A266V.
Identifiers: ClinVar variation 2167021 (VCV002167021.1), dbSNP rs754601084, ClinGen allele CA8001085.